The following is an entry in ClinVar:

ClinVar aggregate classification (germline): Uncertain significance. Review status: criteria provided, multiple submitters, no conflicts (2 of 4 stars). 3 submissions from 3 submitters: Uncertain significance (3). Last evaluated 2026-01-14.

Allele frequency attached by ClinVar (database versions not stated): ESP Exome Variant Server 0.00009; ExAC 0.00012; gnomAD exomes 0.00012 and 0.00014; TOPMed 0.00012; 1000 Genomes Project 30x 0.00016; gnomAD 0.00023 and 0.00026.
gnomAD v4.1: 229 of 1,603,118 alleles (0.014%); highest among the groups gnomAD compares: Middle Eastern, 0.13%; no homozygotes.

Submissions (3):

Labcorp Genetics (formerly Invitae), Labcorp
Classification: Uncertain significance. Last evaluated: 2026-01-14. Review status: criteria provided, single submitter. Criteria: Invitae Variant Classification Sherloc (09022015). Collection method: clinical testing. Allele origin: germline.
Comment: This sequence change replaces glycine, which is neutral and non-polar, with serine, which is neutral and polar, at codon 976 of the COL18A1 protein (p.Gly976Ser). This variant is present in population databases (rs376598650, gnomAD 0.04%). This variant has not been reported in the literature in individuals affected with COL18A1-related conditions. ClinVar contains an entry for this variant (Variation ID: 1438532). Experimental studies and prediction algorithms are not available or were not evaluated, and the functional significance of this variant is currently unknown. In summary, the available evidence is currently insufficient to determine the role of this variant in disease. Therefore, it has been classified as a Variant of Uncertain Significance.

Dasa
Classification: Uncertain significance. Last evaluated: 2025-11-10. Review status: criteria provided, single submitter. Criteria: DASA Assertion Criteria. Collection method: clinical testing. Allele origin: germline.
Comment: NM_001379500.1(COL18A1):c.2935G>A (p.Gly979Ser) is a missense variant that results in the substitution of glycine with serine. This variant is rare in population databases. Computational prediction algorithms are consistent with a deleterious effect. The currently available literature and clinical evidence are not sufficient to establish a definitive association between this variant and the reported condition. Therefore, this variant is classified as a variant of uncertain significance.

Blueprint Genetics
Classification: Uncertain significance. Last evaluated: 2024-01-24. Review status: criteria provided, single submitter. Criteria: ACMG Guidelines, 2015. Collection method: clinical testing. Allele origin: germline.

NM_001379500.1(COL18A1):c.2935G>A (p.Gly979Ser)

Genes: SLC19A1 (solute carrier family 19 member 1; minus strand), COL18A1 (collagen type XVIII alpha 1 chain; plus strand). Cytogenetic location: 21q22.3.
Variant type: single nucleotide variant.
Coding change: c.2935G>A on transcript NM_001379500.1 (MANE Select); coding-DNA position 2935, G replaced by A.
Protein change: p.Gly979Ser; replaces glycine 979 with serine.
Molecular consequence: missense variant.
Genome position (GRCh38, 1-based): chr21:45,505,200, G>A. VCF-style: chr21-45505200-G-A. GRCh37 (hg19) VCF-style: chr21-46925114-G-A.
Other names: c.3466G>A, p.Gly1156Ser (NM_030582.4); c.4171G>A, p.Gly1391Ser (NM_130444.3); short protein forms G1391S, G979S, G1156S.
Identifiers: ClinVar variation 1438532 (VCV001438532.8), dbSNP rs376598650, ClinGen allele CA10067561.